The following is an entry in ClinVar:

NM_003185.4(TAF4):c.2462A>G (p.Lys821Arg)

Gene: TAF4 (TATA-box binding protein associated factor 4; minus strand). Cytogenetic location: 20q13.33.
Variant type: single nucleotide variant.
Coding change: c.2462A>G on transcript NM_003185.4 (MANE Select); coding-DNA position 2462, A replaced by G.
Protein change: p.Lys821Arg; replaces lysine 821 with arginine.
Molecular consequence: missense variant.
Genome position (GRCh38, 1-based): chr20:62,003,184, T>C on the plus strand (A>G on the coding strand, the complement: TAF4 is on the minus strand). VCF-style: chr20-62003184-T-C. GRCh37 (hg19) VCF-style: chr20-60578240-T-C.
Other names: short protein forms K821R.
Identifiers: ClinVar variation 3336187 (VCV003336187.1).
Genomic context (GRCh38, chr20:62,003,184, plus strand): 5'-CCACGCTTCTCCAACGTACACAGGCCCATTCCTTACCGAAACGAACCTCCCCCAGGCTCC[T>C]TGAGTTTATTTTTCTGTGCAGCAGCTGCTTGTGCCGAGACAGCAGAAAGGGCTTTGGTTC-3'
Protein context (NP_003176.2, residues 811-831): QAAAAQKNKL[Lys821Arg]EPGGGSFRDD

ClinVar aggregate classification (germline): Uncertain significance (1 of 4 stars; one submission).

Submission:

Women's Health and Genetics/Laboratory Corporation of America, LabCorp
Classification: Uncertain significance. Last evaluated: 2024-05-03. Review status: criteria provided, single submitter. Criteria: LabCorp Variant Classification Summary - May 2015. Collection method: clinical testing. Allele origin: germline.
Comment: Variant summary: TAF4 c.2462A>G (p.Lys821Arg) results in a conservative amino acid change in the encoded protein sequence. Three of five in-silico tools predict a benign effect of the variant on protein function. The variant was absent in 251486 control chromosomes. The available data on variant occurrences in the general population are insufficient to allow any conclusion about variant significance. To our knowledge, no occurrence of c.2462A>G in individuals affected with Intellectual Developmental Disorder, Autosomal Dominant 73 and no experimental evidence demonstrating its impact on protein function have been reported. No submitters have cited clinical-significance assessments for this variant to ClinVar. Based on the evidence outlined above, the variant was classified as uncertain significance.